The following is an entry in ClinVar:

NM_001017995.3(SH3PXD2B):c.1955C>T (p.Thr652Met)

Gene: SH3PXD2B (SH3 and PX domains 2B; minus strand). Cytogenetic location: 5q35.1.
Variant type: single nucleotide variant.
Coding change: c.1955C>T on transcript NM_001017995.3 (MANE Select); coding-DNA position 1955, C replaced by T.
Protein change: p.Thr652Met; replaces threonine 652 with methionine.
Molecular consequence: missense variant. On other transcripts: intron variant (1).
Genome position (GRCh38, 1-based): chr5:172,339,150, G>A on the plus strand (C>T on the coding strand, the complement: SH3PXD2B is on the minus strand). VCF-style: chr5-172339150-G-A. GRCh37 (hg19) VCF-style: chr5-171766154-G-A.
Other names: c.1188+6986C>T (NM_001308175.2); short protein forms T652M.
Identifiers: ClinVar variation 593686 (VCV000593686.18), dbSNP rs148050566, ClinGen allele CA3561070.
Genomic context (GRCh38, chr5:172,339,150, plus strand): 5'-GGCCTGAGCTTACTCCTGAGGTTGCAGATGTCGACTTGGTCTTCGCCCTGAGGTGGCTCC[G>A]TTTTGGGGGAAGGAGCTGGTTTTGGCCTAACCTGAGGTCTGGACTTCAAGAAGGGATTCT-3'
Protein context (NP_001017995.1, residues 642-662): VRPKPAPSPK[Thr652Met]EPPQGEDQVD

ClinVar aggregate classification (germline): Conflicting classifications of pathogenicity. Review status: criteria provided, conflicting classifications (1 of 4 stars). 4 submissions from 4 submitters: Uncertain significance (1); Likely benign (2). 1 of the submissions does not count toward it. Last evaluated 2026-01-26.

Conditions:
Inborn genetic diseases. Identifiers: MedGen C0950123, MeSH D030342.
SH3PXD2B-related disorder. Also called: SH3PXD2B-related condition.

Allele frequency attached by ClinVar (database versions not stated): gnomAD 0.00137 and 0.00143; 1000 Genomes Project 0.00140; 1000 Genomes Project 30x 0.00141; TOPMed 0.00150; ESP Exome Variant Server 0.00192.
gnomAD v4.1: 389 of 1,614,218 alleles (0.024%); highest among the groups gnomAD compares: African/African-American, 0.47%; 1 homozygote.

Submissions (4):

Labcorp Genetics (formerly Invitae), Labcorp
Classification: Likely benign. Last evaluated: 2026-01-26. Review status: criteria provided, single submitter. Criteria: Invitae Variant Classification Sherloc (09022015). Collection method: clinical testing. Allele origin: germline.

Ambry Genetics
Classification: Likely benign for Inborn genetic diseases. Last evaluated: 2023-04-10. Review status: criteria provided, single submitter. Criteria: Ambry Variant Classification Scheme 2023. Collection method: clinical testing. Allele origin: germline.

Eurofins Ntd Llc (ga)
Classification: Uncertain significance. Last evaluated: 2017-08-14. Review status: criteria provided, single submitter. Criteria: EGL Classification Definitions 2015. Collection method: clinical testing. Allele origin: germline. Observed: 1 variant allele, 1 heterozygote.

PreventionGenetics, part of Exact Sciences
Classification: Likely benign for SH3PXD2B-related condition. Last evaluated: 2023-06-07. Review status: no assertion criteria provided. Collection method: clinical testing. Allele origin: germline. Not counted in ClinVar's aggregate classification.
Comment: This variant is classified as likely benign based on ACMG/AMP sequence variant interpretation guidelines (Richards et al. 2015 PMID: 25741868, with internal and published modifications).